The following is an entry in ClinVar:

NM_006892.4(DNMT3B):c.2047C>T (p.Arg683Cys)

Gene: DNMT3B (DNA methyltransferase 3 beta; plus strand). Cytogenetic location: 20q11.21.
Variant type: single nucleotide variant.
Coding change: c.2047C>T on transcript NM_006892.4 (MANE Select); coding-DNA position 2047, C replaced by T.
Protein change: p.Arg683Cys; replaces arginine 683 with cysteine.
Molecular consequence: missense variant.
Genome position (GRCh38, 1-based): chr20:32,801,328, C>T. VCF-style: chr20-32801328-C-T. GRCh37 (hg19) VCF-style: chr20-31389134-C-T.
Other names: c.1861C>T, p.Arg621Cys (NM_001207055.2); c.1759C>T, p.Arg587Cys (NM_001207056.2); c.1987C>T, p.Arg663Cys (NM_175848.2, NM_175849.2); c.2023C>T, p.Arg675Cys (NM_175850.3); short protein forms R587C, R621C, R683C, R675C, R663C.
Identifiers: ClinVar variation 1390778 (VCV001390778.5), dbSNP rs377397627, ClinGen allele CA9810803.

ClinVar aggregate classification (germline): Uncertain significance (1 of 4 stars; one submission).

Conditions:
Centromeric instability of chromosomes 1,9 and 16 and immunodeficiency (ICF1). Also called: Immunodeficiency-centromeric instability-facial anomalies; IMMUNE DEFICIENCY, VARIABLE, WITH CENTROMERIC INSTABILITY OF CHROMOSOMES 1, 9, AND 16; IMMUNODEFICIENCY SYNDROME, VARIABLE; CENTROMERIC INSTABILITY, IMMUNODEFICIENCY SYNDROME. Identifiers: Orphanet 2268, MedGen C0398788, MONDO:0000133.

Allele frequency attached by ClinVar (database versions not stated): gnomAD exomes below 0.00001; ExAC 0.00001; gnomAD 0.00001; ESP Exome Variant Server 0.00008.

Submission:

Labcorp Genetics (formerly Invitae), Labcorp
Classification: Uncertain significance for Centromeric instability of chromosomes 1,9 and 16 and immunodeficiency. Last evaluated: 2022-02-11. Review status: criteria provided, single submitter. Criteria: Invitae Variant Classification Sherloc (09022015). Collection method: clinical testing. Allele origin: germline.
Comment: This sequence change replaces arginine, which is basic and polar, with cysteine, which is neutral and slightly polar, at codon 683 of the DNMT3B protein (p.Arg683Cys). This variant is present in population databases (rs377397627, gnomAD 0.007%). This variant has not been reported in the literature in individuals affected with DNMT3B-related conditions. Algorithms developed to predict the effect of missense changes on protein structure and function (SIFT, PolyPhen-2, Align-GVGD) all suggest that this variant is likely to be disruptive. In summary, the available evidence is currently insufficient to determine the role of this variant in disease. Therefore, it has been classified as a Variant of Uncertain Significance.